The following is an entry in ClinVar:

ClinVar aggregate classification (germline): Uncertain significance. Review status: criteria provided, multiple submitters, no conflicts (2 of 4 stars). 2 submissions from 2 submitters: Uncertain significance (2). Last evaluated 2025-06-01.

Conditions:
Epidermolysis bullosa simplex with nail dystrophy (EBS5D). Identifiers: MedGen C4225309, MONDO:0014661, OMIM 616487.
Epidermolysis bullosa simplex, Ogna type (EBS5A). Also called: Pidermolysis bullosa simplex 5A, Ogna type; EPIDERMOLYSIS BULLOSA SIMPLEX 5A, OGNA TYPE. Identifiers: Orphanet 79401, MedGen C0432317, MONDO:0007555, OMIM 131950.
Autosomal recessive limb-girdle muscular dystrophy type 2Q (LGMDR17). Also called: MUSCULAR DYSTROPHY, LIMB-GIRDLE, AUTOSOMAL RECESSIVE 17. Identifiers: Orphanet 254361, MedGen C3150989, MONDO:0013390, OMIM 613723.
Epidermolysis bullosa simplex 5C, with pyloric atresia (EBS5C). Also called: PLEC-Related Epidermolysis Bullosa with Pyloric Atresia; Epidermolysis bullosa simplex with pyloric atresia; PLEC1-Related Epidermolysis Bullosa with Pyloric Atresia. Identifiers: Orphanet 158684, MedGen C2677349, MONDO:0012807, OMIM 612138.
Epidermolysis bullosa simplex 5B, with muscular dystrophy (EBS5B). Also called: Epidermolysis bullosa simplex with muscular dystrophy; EPIDERMOLYSIS BULLOSA SIMPLEX AND LIMB-GIRDLE MUSCULAR DYSTROPHY. Identifiers: Orphanet 257, MedGen C2931072, MONDO:0009181, OMIM 226670.

Submissions (2):

CeGaT Center for Human Genetics Tuebingen
Classification: Uncertain significance. Last evaluated: 2025-06-01. Review status: criteria provided, single submitter. Criteria: CeGaT Center For Human Genetics Tuebingen Variant Classification Criteria Version 2. Collection method: clinical testing. Allele origin: germline. Affected: yes. Observed: 1 variant allele.
Comment: PLEC: PM2, BP4

Labcorp Genetics (formerly Invitae), Labcorp
Classification: Uncertain significance for Autosomal recessive limb-girdle muscular dystrophy type 2Q; Epidermolysis bullosa simplex, Ogna type; Epidermolysis bullosa simplex with nail dystrophy; Epidermolysis bullosa simplex 5C, with pyloric atresia; Epidermolysis bullosa simplex 5B, with muscular dystrophy. Last evaluated: 2024-05-29. Review status: criteria provided, single submitter. Criteria: Invitae Variant Classification Sherloc (09022015). Collection method: clinical testing. Allele origin: germline.
Comment: This sequence change replaces threonine, which is neutral and polar, with lysine, which is basic and polar, at codon 2244 of the PLEC protein (p.Thr2244Lys). This variant is not present in population databases (gnomAD no frequency). This variant has not been reported in the literature in individuals affected with PLEC-related conditions. An algorithm developed to predict the effect of missense changes on protein structure and function (PolyPhen-2) suggests that this variant is likely to be disruptive. In summary, the available evidence is currently insufficient to determine the role of this variant in disease. Therefore, it has been classified as a Variant of Uncertain Significance.

NM_201384.3(PLEC):c.6650C>A (p.Thr2217Lys)

Gene: PLEC (plectin; minus strand). Cytogenetic location: 8q24.3.
Variant type: single nucleotide variant.
Coding change: c.6650C>A on transcript NM_201384.3 (MANE Select); coding-DNA position 6650, C replaced by A.
Protein change: p.Thr2217Lys; replaces threonine 2217 with lysine.
Molecular consequence: missense variant. On other transcripts: intron variant (1).
Genome position (GRCh38, 1-based): chr8:143,923,279, G>T on the plus strand (C>A on the coding strand, the complement: PLEC is on the minus strand). VCF-style: chr8-143923279-G-T. GRCh37 (hg19) VCF-style: chr8-144997447-G-T.
Other names: c.6584C>A, p.Thr2195Lys (NM_201379.3); c.7061C>A, p.Thr2354Lys (NM_201380.4); c.6554C>A, p.Thr2185Lys (NM_201381.3); c.6650C>A, p.Thr2217Lys (NM_201382.4); c.6662C>A, p.Thr2221Lys (NM_201383.3); c.4126-884C>A (NM_001410941.1); c.6731C>A, p.Thr2244Lys (NM_000445.5); c.6608C>A, p.Thr2203Lys (NM_201378.4); short protein forms T2185K, T2195K, T2203K, T2217K, T2221K, T2244K, T2354K.
Identifiers: ClinVar variation 3749818 (VCV003749818.12).